The following is an entry in ClinVar:

NM_015175.3(NBEAL2):c.3384+4G>C

Gene: NBEAL2 (neurobeachin like 2; plus strand). Cytogenetic location: 3p21.31.
Variant type: single nucleotide variant.
Coding change: c.3384+4G>C on transcript NM_015175.3 (MANE Select); 4 bases into the intron after coding-DNA position 3384, G replaced by C.
Molecular consequence: intron variant.
Genome position (GRCh38, 1-based): chr3:46,998,883, G>C. VCF-style: chr3-46998883-G-C. GRCh37 (hg19) VCF-style: chr3-47040373-G-C.
Other names: p.?; c.3282+4G>C (NM_001365116.2).
Identifiers: ClinVar variation 4684695 (VCV004684695.1).

ClinVar aggregate classification (germline): Likely benign (1 of 4 stars; one submission).

gnomAD v4.1: 1 of 1,594,392 alleles (0.000063%); highest among the groups gnomAD compares: African/African-American, 0.0013%; no homozygotes.

Submission:

Mayo Clinic Laboratories, Mayo Clinic
Classification: Likely benign. Last evaluated: 2025-10-23. Review status: criteria provided, single submitter. Criteria: ACMG Guidelines, 2015. Collection method: clinical testing. Allele origin: germline. Observed: 1 variant allele.
Comment: BP4, BP7, PM2_supporting